The following is an entry in ClinVar:

NM_001142800.2(EYS):c.3478dup (p.Ile1160fs)

Gene: EYS (eyes shut homolog; minus strand). Cytogenetic location: 6q12.
Variant type: Duplication.
Coding change: c.3478dup on transcript NM_001142800.2 (MANE Select); coding-DNA position 3478, one base duplicated (A; older notation c.3478dupA).
Protein change: p.Ile1160fs; shifts the reading frame from isoleucine 1160.
Molecular consequence: frameshift variant.
Genome position (GRCh38, 1-based): chr6:64,626,211, T duplicated on the plus strand (A on the coding strand, the reverse complement: EYS is on the minus strand); the first of 3 consecutive T bases (chr6:64,626,211-64,626,213); duplicating any one gives the same sequence. VCF-style (leftmost placement, unchanged base first): chr6-64626210-A-AT. GRCh37 (hg19) VCF-style: chr6-65336103-A-AT.
Other names: c.3478dup, p.Ile1160fs (NM_001292009.2); short protein forms I1160fs.
Identifiers: ClinVar variation 3241493 (VCV003241493.2), dbSNP rs2533234050.

ClinVar aggregate classification (germline): Likely pathogenic. Review status: criteria provided, multiple submitters, no conflicts (2 of 4 stars). 2 submissions from 2 submitters: Likely pathogenic (2). Last evaluated 2024-02-24.

Conditions:
Retinitis pigmentosa 25 (RP25). Identifiers: Orphanet 791, MedGen C1864446, MONDO:0011272, OMIM 602772.

Submissions (2):

Baylor Genetics
Classification: Likely pathogenic for Retinitis pigmentosa 25. Last evaluated: 2024-02-24. Review status: criteria provided, single submitter. Criteria: ACMG Guidelines, 2015. Collection method: clinical testing. Allele origin: unknown.

3billion
Classification: Likely pathogenic for Retinitis pigmentosa 25. Last evaluated: 2023-09-25. Review status: criteria provided, single submitter. Criteria: ACMG Guidelines, 2015. Collection method: clinical testing. Allele origin: germline. Affected: yes.
Comment: The variant is not observed in the gnomAD v2.1.1 dataset. Predicted Consequence/Location: Frameshift: predicted to result in a loss or disruption of normal protein function through nonsense-mediated decay (NMD) or protein truncation. Multiple pathogenic variants are reported downstream of the variant. Therefore, this variant is classified as Likely pathogenic according to the recommendation of ACMG/AMP guideline.